The following is an entry in ClinVar:

ClinVar aggregate classification (germline): Uncertain significance. Review status: criteria provided, multiple submitters, no conflicts (2 of 4 stars). 2 submissions from 2 submitters: Uncertain significance (2). Last evaluated 2023-05-13.

Conditions:
Hereditary cancer-predisposing syndrome. Also called: Hereditary neoplastic syndrome; Neoplastic Syndromes, Hereditary; Tumor predisposition; Hereditary Cancer Syndrome. Identifiers: Orphanet 140162, MedGen C0027672, MeSH D009386, MONDO:0015356.
Fanconi anemia complementation group J. Also called: BRIP1-Related Fanconi Anemia. Identifiers: Orphanet 84, MedGen C1836860, MONDO:0012187, OMIM 609054.
Familial cancer of breast. Also called: BREAST CANCER, FAMILIAL; Hereditary breast cancer; hereditary breast carcinoma. Identifiers: Orphanet 227535, MedGen C0346153, MONDO:0016419, OMIM 114480. Disease mechanism: loss of function.

Submissions (2):

Labcorp Genetics (formerly Invitae), Labcorp
Classification: Uncertain significance for Familial cancer of breast; Fanconi anemia complementation group J. Last evaluated: 2023-05-13. Review status: criteria provided, single submitter. Criteria: Invitae Variant Classification Sherloc (09022015). Collection method: clinical testing. Allele origin: germline.
Comment: Advanced modeling of protein sequence and biophysical properties (such as structural, functional, and spatial information, amino acid conservation, physicochemical variation, residue mobility, and thermodynamic stability) performed at Invitae indicates that this missense variant is expected to disrupt BRIP1 protein function. ClinVar contains an entry for this variant (Variation ID: 481617). This variant has not been reported in the literature in individuals affected with BRIP1-related conditions. This variant is not present in population databases (gnomAD no frequency). This sequence change replaces serine, which is neutral and polar, with leucine, which is neutral and non-polar, at codon 269 of the BRIP1 protein (p.Ser269Leu). In summary, the available evidence is currently insufficient to determine the role of this variant in disease. Therefore, it has been classified as a Variant of Uncertain Significance.

Ambry Genetics
Classification: Uncertain significance for Hereditary cancer-predisposing syndrome. Last evaluated: 2016-01-05. Review status: criteria provided, single submitter. Criteria: Ambry Variant Classification Scheme 2023. Collection method: clinical testing. Allele origin: germline.
Comment: The p.S269L variant (also known as c.806C>T), located in coding exon 6 of the BRIP1 gene, results from a C to T substitution at nucleotide position 806. The serine at codon 269 is replaced by leucine, an amino acid with dissimilar properties. This variant was not reported in population based cohorts in the following databases: Database of Single Nucleotide Polymorphisms (dbSNP), NHLBI Exome Sequencing Project (ESP), and 1000 Genomes Project. In the ESP, this variant was not observed in 6503 samples (13006 alleles) with coverage at this position. To date, this alteration has been detected with an allele frequency of approximately 0.001% (greater than 120000 alleles tested) in our clinical cohort. This amino acid position is highly conserved in available vertebrate species. In addition, this alteration is predicted to be deleterious by in silico analysis. Since supporting evidence is limited at this time, the clinical significance of p.S269L remains unclear.

NM_032043.3(BRIP1):c.806C>T (p.Ser269Leu)

Gene: BRIP1 (BRCA1 interacting DNA helicase 1; minus strand). Cytogenetic location: 17q23.2.
Variant type: single nucleotide variant.
Coding change: c.806C>T on transcript NM_032043.3 (MANE Select); coding-DNA position 806, C replaced by T.
Protein change: p.Ser269Leu; replaces serine 269 with leucine.
Molecular consequence: missense variant.
Genome position (GRCh38, 1-based): chr17:61,808,579, G>A on the plus strand (C>T on the coding strand, the complement: BRIP1 is on the minus strand). VCF-style: chr17-61808579-G-A. GRCh37 (hg19) VCF-style: chr17-59885940-G-A.
Other names: short protein forms S269L.
Identifiers: ClinVar variation 481617 (VCV000481617.8), dbSNP rs1412610651, ClinGen allele CA400484876.